The following is an entry in ClinVar:

ClinVar aggregate classification (germline): Uncertain significance (1 of 4 stars; one submission).

Conditions:
Rhabdoid tumor predisposition syndrome 2 (RTPS2). Identifiers: Orphanet 231108, Orphanet 69077, MedGen C2750074, MONDO:0013224, OMIM 613325.

Submission:

Labcorp Genetics (formerly Invitae), Labcorp
Classification: Uncertain significance for Rhabdoid tumor predisposition syndrome 2. Last evaluated: 2025-11-19. Review status: criteria provided, single submitter. Criteria: Invitae Variant Classification Sherloc (09022015). Collection method: clinical testing. Allele origin: germline.
Comment: This sequence change replaces isoleucine, which is neutral and non-polar, with methionine, which is neutral and non-polar, at codon 690 of the SMARCA4 protein (p.Ile690Met). This variant is not present in population databases (gnomAD no frequency). This variant has not been reported in the literature in individuals affected with SMARCA4-related conditions. Invitae Evidence Modeling of protein sequence and biophysical properties (such as structural, functional, and spatial information, amino acid conservation, physicochemical variation, residue mobility, and thermodynamic stability) indicates that this missense variant is not expected to disrupt SMARCA4 protein function with a negative predictive value of 95%. In summary, the available evidence is currently insufficient to determine the role of this variant in disease. Therefore, it has been classified as a Variant of Uncertain Significance.

NM_003072.5(SMARCA4):c.2070T>G (p.Ile690Met)

Gene: SMARCA4 (SWI/SNF related BAF chromatin remodeling complex subunit ATPase 4; plus strand). Cytogenetic location: 19p13.2.
Variant type: single nucleotide variant.
Coding change: c.2070T>G on transcript NM_003072.5 (MANE Select); coding-DNA position 2070, T replaced by G.
Protein change: p.Ile690Met; replaces isoleucine 690 with methionine.
Molecular consequence: missense variant. On other transcripts: non-coding transcript variant (1).
Genome position (GRCh38, 1-based): chr19:11,007,970, T>G. VCF-style: chr19-11007970-T-G. GRCh37 (hg19) VCF-style: chr19-11118646-T-G.
Other names: c.2070T>G, p.Ile690Met (NM_001128844.3, NM_001128845.2, NM_001128846.2 and 6 more transcripts); short protein forms I690M.
Identifiers: ClinVar variation 4700489 (VCV004700489.1).